The following is an entry in ClinVar:

ClinVar aggregate classification (germline): Uncertain significance (1 of 4 stars; one submission).

Allele frequency attached by ClinVar (database versions not stated): gnomAD exomes 0.00001 and 0.00002; ExAC 0.00003.
gnomAD v4.1: 7 of 1,366,558 alleles (0.00051%); highest among the groups gnomAD compares: Non-Finnish European, 0.00069%; no homozygotes.

Submission:

Labcorp Genetics (formerly Invitae), Labcorp
Classification: Uncertain significance. Last evaluated: 2022-06-14. Review status: criteria provided, single submitter. Criteria: Invitae Variant Classification Sherloc (09022015). Collection method: clinical testing. Allele origin: germline.
Comment: Algorithms developed to predict the effect of missense changes on protein structure and function are either unavailable or do not agree on the potential impact of this missense change (SIFT: "Tolerated"; PolyPhen-2: "Not Available"; Align-GVGD: "Class C0"). This variant has not been reported in the literature in individuals affected with ERCC6L2-related conditions. This variant is present in population databases (rs766105480, gnomAD 0.003%). This sequence change replaces glutamic acid, which is acidic and polar, with aspartic acid, which is acidic and polar, at codon 1312 of the ERCC6L2 protein (p.Glu1312Asp). In summary, the available evidence is currently insufficient to determine the role of this variant in disease. Therefore, it has been classified as a Variant of Uncertain Significance.

NM_020207.7(ERCC6L2):c.3903A>T (p.Glu1301Asp)

Gene: ERCC6L2 (ERCC excision repair 6 like 2; plus strand). Cytogenetic location: 9q22.32.
Variant type: single nucleotide variant.
Coding change: c.3903A>T on transcript NM_020207.7 (MANE Select); coding-DNA position 3903, A replaced by T.
Protein change: p.Glu1301Asp; replaces glutamic acid 1301 with aspartic acid.
Molecular consequence: missense variant. On other transcripts: non-coding transcript variant (1), intron variant (2).
Genome position (GRCh38, 1-based): chr9:96,012,453, A>T. VCF-style: chr9-96012453-A-T. GRCh37 (hg19) VCF-style: chr9-98774735-A-T.
Other names: c.3674+7752A>T (NM_001375291.1, NM_001375292.1); short protein forms E1301D.
Identifiers: ClinVar variation 1408101 (VCV001408101.8), dbSNP rs766105480, ClinGen allele CA5140016.